The following is an entry in ClinVar:

ClinVar aggregate classification (germline): Benign/Likely benign. Review status: criteria provided, multiple submitters, no conflicts (2 of 4 stars). 5 submissions from 5 submitters: Benign (3); Likely benign (1). 1 of the submissions does not count toward it. Last evaluated 2026-01-01.

Conditions:
ABCB1-related disorder. Also called: ABCB1-related condition.

Allele frequency attached by ClinVar (database versions not stated): gnomAD exomes 0.00059 and 0.00101; gnomAD 0.00093 and 0.00103; ExAC 0.00103; ESP Exome Variant Server 0.00108; TOPMed 0.00135; 1000 Genomes Project 30x 0.00172; 1000 Genomes Project 0.00200.
gnomAD v4.1: 1,058 of 1,614,164 alleles (0.066%); highest among the groups gnomAD compares: South Asian, 0.39%; 9 homozygotes.

Submissions (5):

CeGaT Center for Human Genetics Tuebingen
Classification: Benign. Last evaluated: 2026-01-01. Review status: criteria provided, single submitter. Criteria: CeGaT Center For Human Genetics Tuebingen Variant Classification Criteria Version 2. Collection method: clinical testing. Allele origin: germline. Affected: yes. Observed: 1 variant allele.
Comment: ABCB1: BS1, BS2

Blueprint Genetics
Classification: Likely benign. Last evaluated: 2024-11-21. Review status: criteria provided, single submitter. Criteria: ACMG Guidelines, 2015. Collection method: clinical testing. Allele origin: germline.

Labcorp Genetics (formerly Invitae), Labcorp
Classification: Benign. Last evaluated: 2018-10-30. Review status: criteria provided, single submitter. Criteria: Invitae Variant Classification Sherloc (09022015). Collection method: clinical testing. Allele origin: germline.

Breakthrough Genomics
Classification: Benign. Review status: criteria provided, single submitter. Criteria: ACMG Guidelines, 2015. Collection method: not provided. Allele origin: germline. Inheritance: Unknown mechanism. Affected: yes.

PreventionGenetics, part of Exact Sciences
Classification: Likely benign for ABCB1-related condition. Last evaluated: 2019-07-12. Review status: no assertion criteria provided. Collection method: clinical testing. Allele origin: germline. Not counted in ClinVar's aggregate classification.
Comment: This variant is classified as likely benign based on ACMG/AMP sequence variant interpretation guidelines (Richards et al. 2015 PMID: 25741868, with internal and published modifications).

NM_001348946.2(ABCB1):c.3396C>T (p.Ala1132=)

Gene: ABCB1 (ATP binding cassette subfamily B member 1; minus strand). Cytogenetic location: 7q21.12.
Variant type: single nucleotide variant.
Coding change: c.3396C>T on transcript NM_001348946.2 (MANE Select); coding-DNA position 3396, C replaced by T.
Protein change: p.Ala1132=; no amino-acid change (alanine 1132 retained).
Molecular consequence: synonymous variant.
Genome position (GRCh38, 1-based): chr7:87,509,368, G>A on the plus strand (C>T on the coding strand, the complement: ABCB1 is on the minus strand). VCF-style: chr7-87509368-G-A. GRCh37 (hg19) VCF-style: chr7-87138684-G-A.
Other names: c.3396C>T, p.Ala1132= (NM_000927.5, NM_001348944.2); c.3606C>T, p.Ala1202= (NM_001348945.2).
Identifiers: ClinVar variation 781911 (VCV000781911.11), dbSNP rs34748655, ClinGen allele CA4327779.